The following is an entry in ClinVar:

NM_000096.4(CP):c.2286-15G>T

Gene: CP (ceruloplasmin; minus strand). Cytogenetic location: 3q24.
Variant type: single nucleotide variant.
Coding change: c.2286-15G>T on transcript NM_000096.4 (MANE Select); 15 bases into the intron before coding-DNA position 2286, G replaced by T.
Molecular consequence: intron variant.
Genome position (GRCh38, 1-based): chr3:149,183,620, C>A on the plus strand (G>T on the coding strand, the complement: CP is on the minus strand). VCF-style: chr3-149183620-C-A. GRCh37 (hg19) VCF-style: chr3-148901407-C-A.
Identifiers: ClinVar variation 194151 (VCV000194151.24), dbSNP rs34861155, ClinGen allele CA200991.

ClinVar aggregate classification (germline): Benign. Review status: criteria provided, multiple submitters, no conflicts (2 of 4 stars). 7 submissions from 7 submitters: Benign (5). 2 of the submissions do not count toward it. Last evaluated 2026-02-04.

Conditions:
Deficiency of ferroxidase (ACEP). Also called: NEURODEGENERATION WITH BRAIN IRON ACCUMULATION 10; Ceruloplasmin deficiency; Familial apoceruloplasmin deficiency; Hereditary ceruloplasmin deficiency; Deficiency of ceruloplasmin; Aceruloplasminemia. Identifiers: Orphanet 48818, MedGen C0878682, MONDO:0011426, OMIM 604290, HP:0025498.

gnomAD v4.1: 31,596 of 970,904 alleles (3.3%); highest among the groups gnomAD compares: African/African-American, 11%; 19 homozygotes.

Submissions (13):

Labcorp Genetics (formerly Invitae), Labcorp
Classification: Benign for Deficiency of ferroxidase. Last evaluated: 2026-02-04. Review status: criteria provided, single submitter. Criteria: Invitae Variant Classification Sherloc (09022015). Collection method: clinical testing. Allele origin: germline.

GeneDx
Classification: Benign. Last evaluated: 2018-07-09. Review status: criteria provided, single submitter. Criteria: GeneDx Variant Classification Process June 2021. Collection method: clinical testing. Allele origin: germline. Affected: yes.

Illumina Laboratory Services, Illumina
Classification: Benign for Deficiency of ferroxidase. Last evaluated: 2018-01-13. Review status: criteria provided, single submitter. Criteria: ICSL Variant Classification Criteria 13 December 2019. Collection method: clinical testing. Allele origin: germline.
Comment: This variant was observed in the ICSL laboratory as part of a predisposition screen in an ostensibly healthy population. It had not been previously curated by ICSL or reported in the Human Gene Mutation Database (HGMD: prior to June 1st, 2018), and was therefore a candidate for classification through an automated scoring system. Utilizing variant allele frequency, disease prevalence and penetrance estimates, and inheritance mode, an automated score was calculated to assess if this variant is too frequent to cause the disease. Based on the score and internal cut-off values, a variant classified as benign is not then subjected to further curation. The score for this variant resulted in a classification of benign for this disease.

Eurofins Ntd Llc (ga)
Classification: Benign. Last evaluated: 2015-05-21. Review status: criteria provided, single submitter. Criteria: EGL Classification Definitions 2015. Collection method: clinical testing. Allele origin: germline. Observed: 10 variant alleles, 10 heterozygotes.

Breakthrough Genomics
Classification: Benign. Review status: criteria provided, single submitter. Criteria: ACMG Guidelines, 2015. Collection method: not provided. Allele origin: germline. Inheritance: Autosomal recessive inheritance. Affected: yes.

Diagnostic Laboratory, Department of Genetics, University Medical Center Groningen
Classification: Likely benign for Deficiency of ferroxidase. Review status: no assertion criteria provided. Collection method: clinical testing. Allele origin: germline. Affected: yes. Study: VKGL Data-share Consensus. Not counted in ClinVar's aggregate classification.

Dr. Peter K. Rogan Lab, Western University
No classification provided (evidence only). Condition: Uterine corpus endometrial carcinoma. Review status: no classification provided. Collection method: in vitro. Allele origin: not applicable. Functional consequence: retained intron. Not counted in ClinVar's aggregate classification.

Dr. Peter K. Rogan Lab, Western University
No classification provided (evidence only). Condition: Pancreatic adenocarcinoma. Review status: no classification provided. Collection method: in vitro. Allele origin: not applicable. Functional consequence: retained intron. Not counted in ClinVar's aggregate classification.

Dr. Peter K. Rogan Lab, Western University
No classification provided (evidence only). Condition: Thymoma. Review status: no classification provided. Collection method: in vitro. Allele origin: not applicable. Functional consequence: retained intron. Not counted in ClinVar's aggregate classification.

Dr. Peter K. Rogan Lab, Western University
No classification provided (evidence only). Condition: Cholangiocarcinoma. Review status: no classification provided. Collection method: in vitro. Allele origin: not applicable. Functional consequence: retained intron. Not counted in ClinVar's aggregate classification.

Dr. Peter K. Rogan Lab, Western University
No classification provided (evidence only). Condition: Cholangiocarcinoma. Review status: no classification provided. Collection method: in vitro. Allele origin: not applicable. Functional consequence: retained intron. Not counted in ClinVar's aggregate classification.

Dr. Peter K. Rogan Lab, Western University
No classification provided (evidence only). Condition: Germ cell tumor of testis. Review status: no classification provided. Collection method: in vitro. Allele origin: not applicable. Functional consequence: retained intron. Not counted in ClinVar's aggregate classification.

Genome Diagnostics Laboratory, Amsterdam University Medical Center
Classification: Benign. Review status: no assertion criteria provided. Collection method: clinical testing. Allele origin: germline. Affected: yes. Study: VKGL Data-share Consensus. Not counted in ClinVar's aggregate classification.